The following is an entry in ClinVar:

NM_002691.4(POLD1):c.3217A>T (p.Ser1073Cys)

Gene: POLD1 (DNA polymerase delta 1, catalytic subunit; plus strand). Cytogenetic location: 19q13.33.
Variant type: single nucleotide variant.
Coding change: c.3217A>T on transcript NM_002691.4 (MANE Select); coding-DNA position 3217, A replaced by T.
Protein change: p.Ser1073Cys; replaces serine 1073 with cysteine.
Molecular consequence: missense variant. On other transcripts: non-coding transcript variant (1).
Genome position (GRCh38, 1-based): chr19:50,417,268, A>T. VCF-style: chr19-50417268-A-T. GRCh37 (hg19) VCF-style: chr19-50920525-A-T.
Other names: c.3217A>T, p.Ser1073Cys (NM_001256849.1); c.3295A>T, p.Ser1099Cys (NM_001308632.1); short protein forms S1099C, S1073C.
Identifiers: ClinVar variation 1729001 (VCV001729001.6), dbSNP rs752376126, ClinGen allele CA406987574.

ClinVar aggregate classification (germline): Uncertain significance. Review status: criteria provided, multiple submitters, no conflicts (2 of 4 stars). 2 submissions from 2 submitters: Uncertain significance (2). Last evaluated 2025-05-29.

Conditions:
Hereditary cancer-predisposing syndrome. Also called: Neoplastic Syndromes, Hereditary; Tumor predisposition; Hereditary neoplastic syndrome; Hereditary Cancer Syndrome. Identifiers: Orphanet 140162, MedGen C0027672, MeSH D009386, MONDO:0015356.
POLD1-related polyposis and colorectal cancer syndrome (CRCS10). Also called: COLORECTAL CANCER, SUSCEPTIBILITY TO, ON CHROMOSOME 19q; Colorectal cancer 10; Colorectal cancer, susceptibility to, 10. Identifiers: Orphanet 220460, MedGen C2675481, MONDO:0012953, OMIM 612591.

gnomAD v4.1: 2 of 1,589,074 alleles (0.00013%); highest among the groups gnomAD compares: Non-Finnish European, 0.00017%; no homozygotes.

Submissions (2):

Ambry Genetics
Classification: Uncertain significance for Hereditary cancer-predisposing syndrome. Last evaluated: 2025-05-29. Review status: criteria provided, single submitter. Criteria: Ambry Variant Classification Scheme 2023. Collection method: clinical testing. Allele origin: germline.
Comment: The p.S1073C variant (also known as c.3217A>T), located in coding exon 25 of the POLD1 gene, results from an A to T substitution at nucleotide position 3217. The serine at codon 1073 is replaced by cysteine, an amino acid with dissimilar properties. This amino acid position is highly conserved in available vertebrate species. In addition, the in silico prediction for this alteration is inconclusive. Based on the available evidence, the clinical significance of this variant remains unclear.

Labcorp Genetics (formerly Invitae), Labcorp
Classification: Uncertain significance for POLD1-related polyposis and colorectal cancer syndrome. Last evaluated: 2024-10-15. Review status: criteria provided, single submitter. Criteria: Invitae Variant Classification Sherloc (09022015). Collection method: clinical testing. Allele origin: germline.
Comment: This sequence change replaces serine, which is neutral and polar, with cysteine, which is neutral and slightly polar, at codon 1073 of the POLD1 protein (p.Ser1073Cys). This variant is not present in population databases (gnomAD no frequency). This variant has not been reported in the literature in individuals affected with POLD1-related conditions. ClinVar contains an entry for this variant (Variation ID: 1729001). An algorithm developed to predict the effect of missense changes on protein structure and function (PolyPhen-2) suggests that this variant is likely to be disruptive. In summary, the available evidence is currently insufficient to determine the role of this variant in disease. Therefore, it has been classified as a Variant of Uncertain Significance.